The following is an entry in ClinVar:

ClinVar aggregate classification (germline): Uncertain significance (1 of 4 stars; one submission).

Allele frequency attached by ClinVar (database versions not stated): TOPMed below 0.00001.

Submission:

Labcorp Genetics (formerly Invitae), Labcorp
Classification: Uncertain significance. Last evaluated: 2022-10-07. Review status: criteria provided, single submitter. Criteria: Invitae Variant Classification Sherloc (09022015). Collection method: clinical testing. Allele origin: germline.
Comment: In summary, the available evidence is currently insufficient to determine the role of this variant in disease. Therefore, it has been classified as a Variant of Uncertain Significance. Algorithms developed to predict the effect of missense changes on protein structure and function are either unavailable or do not agree on the potential impact of this missense change (SIFT: "Deleterious"; PolyPhen-2: "Probably Damaging"; Align-GVGD: "Class C0"). This variant has not been reported in the literature in individuals affected with GSN-related conditions. This variant is not present in population databases (gnomAD no frequency). This sequence change replaces glycine, which is neutral and non-polar, with aspartic acid, which is acidic and polar, at codon 519 of the GSN protein (p.Gly519Asp).

NM_198252.3(GSN):c.1403G>A (p.Gly468Asp)

Gene: GSN (gelsolin; plus strand). Cytogenetic location: 9q33.2.
Variant type: single nucleotide variant.
Coding change: c.1403G>A on transcript NM_198252.3 (MANE Select); coding-DNA position 1403, G replaced by A.
Protein change: p.Gly468Asp; replaces glycine 468 with aspartic acid.
Molecular consequence: missense variant.
Genome position (GRCh38, 1-based): chr9:121,324,631, G>A. VCF-style: chr9-121324631-G-A. GRCh37 (hg19) VCF-style: chr9-124086909-G-A.
Other names: c.1556G>A, p.Gly519Asp (NM_000177.5); c.1403G>A, p.Gly468Asp (NM_001127662.2, NM_001127664.2, NM_001127665.2 and 10 more transcripts); c.1511G>A, p.Gly504Asp (NM_001127663.2); c.1436G>A, p.Gly479Asp (NM_001127666.2, NM_001127667.2, NM_001353063.2 and 13 more transcripts); c.1454G>A, p.Gly485Asp (NM_001258029.2); c.1427G>A, p.Gly476Asp (NM_001258030.2); c.1475G>A, p.Gly492Asp (NM_001353076.2); c.749G>A, p.Gly250Asp (NM_001353078.2); short protein forms G476D, G519D, G479D, G485D, G250D, G492D, G468D, G504D.
Identifiers: ClinVar variation 1924174 (VCV001924174.5), dbSNP rs2062921993, ClinGen allele CA374752434.
Genomic context (GRCh38, chr9:121,324,631, plus strand): 5'-CCCAGGATGAGGTCGCTGCATCTGCCATCCTGACTGCTCAGCTGGATGAGGAGCTGGGAG[G>A]TACCCCTGTCCAGGTGAGCCCAGCCCACCGCCTCTCTGGGCTGCAGCCTGAGCCTTGTCC-3'
Protein context (NP_937895.1, residues 458-478): LTAQLDEELG[Gly468Asp]TPVQSRVVQG